The following is an entry in ClinVar:

ClinVar aggregate classification (germline): Pathogenic. Review status: criteria provided, multiple submitters, no conflicts (2 of 4 stars). 5 submissions from 5 submitters: Pathogenic (5). Last evaluated 2025-06-05.

Conditions:
Osteogenesis imperfecta type 11. Also called: OI, TYPE XI; Osteogenesis imperfecta, type XI. Identifiers: Orphanet 666, MedGen C3151218, MONDO:0012592, OMIM 610968.
FKBP10-related disorders.
Bruck syndrome 1 (BRKS1). Also called: ARTHROGRYPOSIS-LIKE DISORDER. Identifiers: Orphanet 1149, Orphanet 2771, MedGen C1850168, MONDO:0009806, OMIM 259450.

Submissions (5):

GeneDx
Classification: Pathogenic. Last evaluated: 2025-06-05. Review status: criteria provided, single submitter. Criteria: GeneDx Variant Classification Process June 2021. Collection method: clinical testing. Allele origin: germline. Affected: yes.
Comment: Frameshift variant predicted to result in protein truncation or nonsense mediated decay in a gene for which loss of function is a known mechanism of disease; Not observed at significant frequency in large population cohorts (gnomAD); This variant is associated with the following publications: (PMID: 28492130, 34335676, 29512769, 30993005, 32770541)

Fulgent Genetics
Classification: Pathogenic for Bruck syndrome 1; Osteogenesis imperfecta type 11. Last evaluated: 2024-06-07. Review status: criteria provided, single submitter. Criteria: ACMG Guidelines, 2015. Collection method: clinical testing. Allele origin: germline.

Labcorp Genetics (formerly Invitae), Labcorp
Classification: Pathogenic. Last evaluated: 2023-11-06. Review status: criteria provided, single submitter. Criteria: Invitae Variant Classification Sherloc (09022015). Collection method: clinical testing. Allele origin: germline.
Comment: This sequence change creates a premature translational stop signal (p.Gly278Alafs*20) in the FKBP10 gene. It is expected to result in an absent or disrupted protein product. Loss-of-function variants in FKBP10 are known to be pathogenic (PMID: 22689593, 22949511). The frequency data for this variant in the population databases is considered unreliable, as metrics indicate poor data quality at this position in the gnomAD database. This premature translational stop signal has been observed in individual(s) with osteogenesis imperfecta (PMID: 28492130). ClinVar contains an entry for this variant (Variation ID: 503914). For these reasons, this variant has been classified as Pathogenic.

Blueprint Genetics
Classification: Pathogenic for FKBP10-related disorders. Last evaluated: 2023-04-13. Review status: criteria provided, single submitter. Criteria: ACMG Guidelines, 2015. Collection method: clinical testing. Allele origin: germline. Affected: yes. Observed: 3 variant alleles.

Illumina Laboratory Services, Illumina
Classification: Pathogenic for Osteogenesis imperfecta type 11. Last evaluated: 2019-07-30. Review status: criteria provided, single submitter. Criteria: ICSLVariantClassificationCriteria RUGD 01 April 2020. Collection method: clinical testing. Allele origin: unknown.
Comment: The FKBP10 c.831delC (p.Gly278AlafsTer20) variant results in a frameshift and is predicted to result in a premature truncation of the protein. The p.Gly278AlafsTer20 variant has been reported in a compound heterozygous state in eight individuals with osteogenesis imperfecta, including in three siblings and in at least three different families, and in a heterozygous state in one healthy parent of an affected individual (Vorster et al. 2017; Zhang et al. 2018; Chetty et al. 2019). In the seven individuals reported by Voster et al. (2017) and Chetty et al. (2019), all of whom were from southern Africa, the p.Gly278AlafsTer20 variant was identified in trans with another frameshift variant that occurs at the same nucleotide position, c.831dupC (p.Gly278ArgfsTer95), a pathogenic variant that Voster et al. (2017) suggest to be a founder variant in black southern African populations. Control data are unavailable for this variant, which is reported at a frequency of 0.000081 in the African population of the Genome Aggregation Database. Chetty et al. (2019) indicate that the p.Gly278AlafsTer20 variant results in the loss of two peptidylprolyl isomerase domains and two EF-hand domains, which are important for appropriate protein localization. Based on the available evidence, the c.831delC (p.Gly278AlafsTer20) variant is classified as pathogenic for osteogenesis imperfecta with or without joint contractures.

Literature cited by the submitters: PubMed 22689593 (cited by Labcorp Genetics (formerly Invitae), Labcorp); PubMed 22949511 (cited by Labcorp Genetics (formerly Invitae), Labcorp); PubMed 28492130 (cited by Labcorp Genetics (formerly Invitae), Labcorp).

NM_021939.4(FKBP10):c.831del (p.Gly278fs)

Gene: FKBP10 (FKBP prolyl isomerase 10; plus strand). Cytogenetic location: 17q21.2.
Variant type: Deletion.
Coding change: c.831del on transcript NM_021939.4 (MANE Select); coding-DNA position 831, one base deleted (C; older notation c.831delC).
Protein change: p.Gly278fs; shifts the reading frame from glycine 278.
Molecular consequence: frameshift variant.
Genome position (GRCh38, 1-based): chr17:41,819,313, C deleted; the last of 7 consecutive C bases (chr17:41,819,307-41,819,313); deleting any one gives the same sequence. VCF-style (leftmost placement, unchanged base first): chr17-41819306-TC-T. GRCh37 (hg19) VCF-style: chr17-39975558-TC-T.
Other names: c.831delC (NM_021939.3); c.831del (NM_021939.3); short protein forms G278fs.
Identifiers: ClinVar variation 503914 (VCV000503914.9), dbSNP rs137853883, ClinGen allele CA500024053.